The following is an entry in ClinVar:

ClinVar aggregate classification (germline): Pathogenic (1 of 4 stars; one submission).

Conditions:
Polycystic kidney disease, adult type (PKD1). Also called: POLYCYSTIC KIDNEY DISEASE, ADULT, TYPE I; Polycystic Kidney Disease 1, Autosomal Dominant; Polycystic kidney disease 1; Polycystic kidney disease 1, severe; Polycystic Kidney, Autosomal Dominant; POLYCYSTIC KIDNEY DISEASE 1 WITH OR WITHOUT POLYCYSTIC LIVER DISEASE. Identifiers: MedGen C3149841, MONDO:0008263, OMIM 173900.

Submission:

Juno Genomics, Hangzhou Juno Genomics, Inc
Classification: Pathogenic for Polycystic kidney disease, adult type. Review status: criteria provided, single submitter. Criteria: ACMG Guidelines, 2015. Collection method: clinical testing. Allele origin: germline. Affected: yes.
Comment: Absent from controls (or at extremely low frequency if recessive) in Genome Aggregation Database, Exome Sequencing Project, 1000 Genomes Project, or Exome Aggregation Consortium.;Null variant in a gene where loss of function (LOF) is a known mechanism of disease.

NM_001009944.3(PKD1):c.90C>A (p.Cys30Ter)

Gene: PKD1 (polycystin 1, transient receptor potential channel interacting; minus strand). Cytogenetic location: 16p13.3.
Variant type: single nucleotide variant.
Coding change: c.90C>A on transcript NM_001009944.3 (MANE Select); coding-DNA position 90, C replaced by A.
Protein change: p.Cys30Ter; replaces cysteine 30 with a stop codon.
Molecular consequence: nonsense.
Genome position (GRCh38, 1-based): chr16:2,135,600, G>T on the plus strand (C>A on the coding strand, the complement: PKD1 is on the minus strand). VCF-style: chr16-2135600-G-T. GRCh37 (hg19) VCF-style: chr16-2185601-G-T.
Other names: c.90C>A, p.Cys30Ter (NM_000296.4); short protein forms C30*.
Identifiers: ClinVar variation 3383136 (VCV003383136.2).